The following is an entry in ClinVar:

ClinVar aggregate classification (germline): Pathogenic. Review status: criteria provided, multiple submitters, no conflicts (2 of 4 stars). 5 submissions from 5 submitters: Pathogenic (4). 1 of the submissions does not count toward it. Last evaluated 2025-01-10.

Conditions:
Alstrom syndrome (ALMS). Identifiers: Orphanet 64, MedGen C0268425, MONDO:0008763, OMIM 203800.
ALMS1-related disorder. Also called: ALMS1-related condition.

Submissions (5):

3billion
Classification: Pathogenic for Alstrom syndrome. Last evaluated: 2025-01-10. Review status: criteria provided, single submitter. Criteria: ACMG Guidelines, 2015. Collection method: clinical testing. Allele origin: germline. Affected: yes.
Comment: The variant is observed at an extremely low frequency in the gnomAD v4.1.0 dataset (total allele frequency: <0.001%). Predicted Consequence/Location: Stop-gained (nonsense): predicted to result in a loss or disruption of normal protein function through nonsense-mediated decay (NMD) or protein truncation. Multiple pathogenic variants are reported downstream of the variant. The variant has been reported at least twice as pathogenic without evidence for the classification (ClinVar ID: VCV000835838 /PMID: 17594715). Therefore, this variant is classified as Pathogenic according to the recommendation of ACMG/AMP guideline.

Dasa
Classification: Pathogenic for Alstrom syndrome. Last evaluated: 2024-12-02. Review status: criteria provided, single submitter. Criteria: DASA Assertion Criteria. Collection method: clinical testing. Allele origin: germline.
Comment: NM_001378454.1(ALMS1):c.10671_10674del (p.Glu3558*) is a frameshift variant in ALMS1 predicted to alter the reading frame and introduce a premature termination codon and is predicted to result in an absent or altered protein product. Loss of function is an established disease mechanism for ALMS1-associated disorders. This variant has been observed in affected individuals with ALMS1-related disorders. Also, this variant is rare in population databases. Based on the currently available evidence, this variant is classified as pathogenic.

Labcorp Genetics (formerly Invitae), Labcorp
Classification: Pathogenic for Alstrom syndrome. Last evaluated: 2023-06-16. Review status: criteria provided, single submitter. Criteria: Invitae Variant Classification Sherloc (09022015). Collection method: clinical testing. Allele origin: germline.
Comment: For these reasons, this variant has been classified as Pathogenic. ClinVar contains an entry for this variant (Variation ID: 835838). This premature translational stop signal has been observed in individual(s) with Alström syndrome (PMID: 17594715). This variant is not present in population databases (gnomAD no frequency). This sequence change creates a premature translational stop signal (p.Glu3559*) in the ALMS1 gene. It is expected to result in an absent or disrupted protein product. Loss-of-function variants in ALMS1 are known to be pathogenic (PMID: 17594715).

Blueprint Genetics
Classification: Pathogenic for ALMS1-related disorders. Last evaluated: 2021-10-18. Review status: criteria provided, single submitter. Criteria: ACMG Guidelines, 2015. Collection method: clinical testing. Allele origin: germline. Affected: yes. Observed: 1 variant allele.

Natera, Inc.
Classification: Pathogenic for Alstrom syndrome. Last evaluated: 2021-10-06. Review status: no assertion criteria provided. Collection method: clinical testing. Allele origin: germline. Not counted in ClinVar's aggregate classification.

Literature cited by the submitters: PubMed 17594715 (cited by 3billion and Labcorp Genetics (formerly Invitae), Labcorp).

NM_001378454.1(ALMS1):c.10671_10674del (p.Lys3557_Glu3558insTer)

Gene: ALMS1 (ALMS1 centrosome and basal body associated protein; plus strand). Cytogenetic location: 2p13.1.
Variant type: Deletion.
Coding change: c.10671_10674del on transcript NM_001378454.1 (MANE Select); coding-DNA positions 10671 to 10674, 4 bases deleted (AGAA; older notation c.10671_10674delAGAA).
Protein change: p.Lys3557_Glu3558insTer.
Molecular consequence: frameshift variant.
Genome position (GRCh38, 1-based): chr2:73,572,548-73,572,551, AGAA deleted; deleting any 4 consecutive bases within chr2:73,572,546-73,572,551 gives the same sequence; the c. name uses the placement nearest the transcript's 3' end. VCF-style (leftmost placement, unchanged base first): chr2-73572545-CAAAG-C. GRCh37 (hg19) VCF-style: chr2-73799672-CAAAG-C.
Other names: c.10674_10677del, p.Lys3558_Glu3559insTer (NM_015120.4).
Identifiers: ClinVar variation 835838 (VCV000835838.17), dbSNP rs1372103295, ClinGen allele CA892825931.
Genomic context (GRCh38, chr2:73,572,545, plus strand): 5'-CAAGACTAAGACAGATTATACCAGAATAAAGAGCCTCAGCATCAATGTGAATTTGGGAAA[CAAAG>C]AAGTGATGGATACTACTAAAAGTCAAGTTAGAGATTATCCAAAACATAATGGACAAATTA-3'